The following is an entry in ClinVar:

NM_005560.6(LAMA5):c.8196+6T>C

Gene: LAMA5 (laminin subunit alpha 5; minus strand). Cytogenetic location: 20q13.33.
Variant type: single nucleotide variant.
Coding change: c.8196+6T>C on transcript NM_005560.6 (MANE Select); 6 bases into the intron after coding-DNA position 8196, T replaced by C.
Molecular consequence: intron variant.
Genome position (GRCh38, 1-based): chr20:62,314,793, A>G on the plus strand (T>C on the coding strand, the complement: LAMA5 is on the minus strand). VCF-style: chr20-62314793-A-G. GRCh37 (hg19) VCF-style: chr20-60889849-A-G.
Identifiers: ClinVar variation 4807093 (VCV004807093.1).

ClinVar aggregate classification (germline): Uncertain significance (1 of 4 stars; one submission).

Submission:

Labcorp Genetics (formerly Invitae), Labcorp
Classification: Uncertain significance. Last evaluated: 2025-06-07. Review status: criteria provided, single submitter. Criteria: Invitae Variant Classification Sherloc (09022015). Collection method: clinical testing. Allele origin: germline.
Comment: This sequence change falls in intron 60 of the LAMA5 gene. It does not directly change the encoded amino acid sequence of the LAMA5 protein. It affects a nucleotide within the consensus splice site. This variant is not present in population databases (gnomAD no frequency). This variant has not been reported in the literature in individuals affected with LAMA5-related conditions. Variants that disrupt the consensus splice site are a relatively common cause of aberrant splicing (PMID: 17576681, 9536098). Algorithms developed to predict the effect of sequence changes on RNA splicing suggest that this variant is not likely to affect RNA splicing. In summary, the available evidence is currently insufficient to determine the role of this variant in disease. Therefore, it has been classified as a Variant of Uncertain Significance.

Literature cited by the submitters: PubMed 17576681; PubMed 9536098.